The following is an entry in ClinVar:

ClinVar aggregate classification (germline): Uncertain significance. Review status: criteria provided, multiple submitters, no conflicts (2 of 4 stars). 2 submissions from 2 submitters: Uncertain significance (2). Last evaluated 2023-04-18.

Conditions:
Inborn genetic diseases. Identifiers: MedGen C0950123, MeSH D030342.

Allele frequency attached by ClinVar (database versions not stated): ESP Exome Variant Server 0.00008; TOPMed 0.00009; gnomAD 0.00011 and 0.00012; gnomAD exomes 0.00011 and 0.00012; ExAC 0.00012.
gnomAD v4.1: 189 of 1,613,142 alleles (0.012%); highest among the groups gnomAD compares: South Asian, 0.031%; no homozygotes.

Submissions (2):

Ambry Genetics
Classification: Uncertain significance for Inborn genetic diseases. Last evaluated: 2023-04-18. Review status: criteria provided, single submitter. Criteria: Ambry Variant Classification Scheme 2023. Collection method: clinical testing. Allele origin: germline.

Labcorp Genetics (formerly Invitae), Labcorp
Classification: Uncertain significance. Last evaluated: 2021-08-30. Review status: criteria provided, single submitter. Criteria: Invitae Variant Classification Sherloc (09022015). Collection method: clinical testing. Allele origin: germline.
Comment: This sequence change replaces alanine with threonine at codon 519 of the GPC6 protein (p.Ala519Thr). The alanine residue is weakly conserved and there is a small physicochemical difference between alanine and threonine. This variant is present in population databases (rs377708761, ExAC 0.02%). This variant has not been reported in the literature in individuals affected with GPC6-related conditions. Algorithms developed to predict the effect of missense changes on protein structure and function (SIFT, PolyPhen-2, Align-GVGD) all suggest that this variant is likely to be tolerated. In summary, the available evidence is currently insufficient to determine the role of this variant in disease. Therefore, it has been classified as a Variant of Uncertain Significance.

NM_005708.5(GPC6):c.1555G>A (p.Ala519Thr)

Gene: GPC6 (glypican 6; plus strand). Cytogenetic location: 13q32.1.
Variant type: single nucleotide variant.
Coding change: c.1555G>A on transcript NM_005708.5 (MANE Select); coding-DNA position 1555, G replaced by A.
Protein change: p.Ala519Thr; replaces alanine 519 with threonine.
Molecular consequence: missense variant.
Genome position (GRCh38, 1-based): chr13:94,403,104, G>A. VCF-style: chr13-94403104-G-A. GRCh37 (hg19) VCF-style: chr13-95055358-G-A.
Other names: c.1555G>A (NM_005708.3); short protein forms A519T.
Identifiers: ClinVar variation 1433015 (VCV001433015.6), dbSNP rs377708761, ClinGen allele CA7017218.